The following is an entry in ClinVar:

ClinVar aggregate classification (germline): Likely pathogenic. Review status: criteria provided, multiple submitters, no conflicts (2 of 4 stars). 3 submissions from 3 submitters: Likely pathogenic (3). Last evaluated 2025-11-11.

Conditions:
Oligodontia-cancer predisposition syndrome. Also called: TOOTH AGENESIS-COLORECTAL CANCER SYNDROME. Identifiers: Orphanet 300576, MedGen C1837750, MONDO:0012075, OMIM 608615. Disease mechanism: loss of function.
Hereditary cancer-predisposing syndrome. Also called: Hereditary neoplastic syndrome; Hereditary Cancer Syndrome; Tumor predisposition; Neoplastic Syndromes, Hereditary. Identifiers: Orphanet 140162, MedGen C0027672, MeSH D009386, MONDO:0015356.

Submissions (3):

Myriad Genetics, Inc.
Classification: Likely pathogenic for Oligodontia-cancer predisposition syndrome. Last evaluated: 2025-11-11. Review status: criteria provided, single submitter. Criteria: Myriad Autosomal Dominant, Autosomal Recessive and X-Linked Classification Criteria (2023). Collection method: clinical testing. Allele origin: unknown.
Comment: This variant is considered likely pathogenic. This variant occurs within a consensus splice junction and is predicted to result in abnormal mRNA splicing of either an out-of-frame exon or an in-frame exon necessary for protein stability and/or normal function.

Labcorp Genetics (formerly Invitae), Labcorp
Classification: Likely pathogenic for Oligodontia-cancer predisposition syndrome. Last evaluated: 2025-11-10. Review status: criteria provided, single submitter. Criteria: Invitae Variant Classification Sherloc (09022015). Collection method: clinical testing. Allele origin: germline.
Comment: This sequence change affects an acceptor splice site in intron 5 of the AXIN2 gene. It is expected to disrupt RNA splicing. Variants that disrupt the donor or acceptor splice site typically lead to a loss of protein function (PMID: 16199547), and loss-of-function variants in AXIN2 are known to be pathogenic (PMID: 15042511, 21416598). This variant is not present in population databases (gnomAD no frequency). This variant has not been reported in the literature in individuals affected with AXIN2-related conditions. ClinVar contains an entry for this variant (Variation ID: 1519346). Algorithms developed to predict the effect of sequence changes on RNA splicing suggest that this variant may disrupt the consensus splice site. In summary, the currently available evidence indicates that the variant is pathogenic, but additional data are needed to prove that conclusively. Therefore, this variant has been classified as Likely Pathogenic.

Ambry Genetics
Classification: Likely pathogenic for Hereditary cancer-predisposing syndrome. Last evaluated: 2025-09-03. Review status: criteria provided, single submitter. Criteria: Ambry Variant Classification Scheme 2023. Collection method: clinical testing. Allele origin: germline.
Comment: The c.1201-1G>C intronic variant results from a G to C substitution one nucleotide upstream from coding exon 5 of the AXIN2 gene. This variant is considered to be rare based on population cohorts in the Genome Aggregation Database (gnomAD). This nucleotide position is highly conserved in available vertebrate species. In silico splice site analysis predicts that this alteration will weaken the native splice acceptor site and will result in the creation or strengthening of a novel splice acceptor site; however, direct evidence is insufficient at this time (Ambry internal data). Alterations that disrupt the canonical splice site are expected to cause aberrant splicing, resulting in an abnormal protein or a transcript that is subject to nonsense-mediated mRNA decay. As such, this alteration is classified as likely pathogenic.

Literature cited by the submitters: PubMed 16199547 (cited by Labcorp Genetics (formerly Invitae), Labcorp); PubMed 15042511 (cited by Labcorp Genetics (formerly Invitae), Labcorp); PubMed 21416598 (cited by Labcorp Genetics (formerly Invitae), Labcorp).

NM_004655.4(AXIN2):c.1201-1G>C

Gene: AXIN2 (axin 2; minus strand). Cytogenetic location: 17q24.1.
Variant type: single nucleotide variant.
Coding change: c.1201-1G>C on transcript NM_004655.4 (MANE Select); the canonical splice acceptor site of the intron before coding-DNA position 1201, G replaced by C.
Molecular consequence: splice acceptor variant.
Genome position (GRCh38, 1-based): chr17:65,537,836, C>G on the plus strand (G>C on the coding strand, the complement: AXIN2 is on the minus strand). VCF-style: chr17-65537836-C-G. GRCh37 (hg19) VCF-style: chr17-63533954-C-G.
Other names: c.1201-1G>C (NM_004655.3, NM_001363813.1).
Identifiers: ClinVar variation 1519346 (VCV001519346.8), dbSNP rs2144468895, ClinGen allele CA400677982.
Genomic context (GRCh38, chr17:65,537,836, plus strand): 5'-CTGCGTGGGCGCCCCCTCCCGCGAATTGAGTGTGAGCTCGGAGCCCTCTCTCTCTTCATC[C>G]TGAAAGGGAAGACGTCAGAAGGAGAAGTGACCCAGGAAGCAGAAGGGCCAGAGGCCCTGG-3'